The following is an entry in ClinVar:

NM_001943.5(DSG2):c.2848A>G (p.Thr950Ala)

Genes: DSG2-AS1 (DSG2 antisense RNA 1; minus strand), DSG2 (desmoglein 2; plus strand). Cytogenetic location: 18q12.1.
Variant type: single nucleotide variant.
Coding change: c.2848A>G on transcript NM_001943.5 (MANE Select); coding-DNA position 2848, A replaced by G.
Protein change: p.Thr950Ala; replaces threonine 950 with alanine.
Molecular consequence: missense variant.
Genome position (GRCh38, 1-based): chr18:31,546,234, A>G. VCF-style: chr18-31546234-A-G. GRCh37 (hg19) VCF-style: chr18-29126197-A-G.
Other names: short protein forms T950A.
Identifiers: ClinVar variation 4825931 (VCV004825931.1).

ClinVar aggregate classification (germline): Uncertain significance (1 of 4 stars; one submission).

Conditions:
Cardiovascular phenotype. Identifiers: MedGen CN230736.

Submission:

Ambry Genetics
Classification: Uncertain significance for Cardiovascular phenotype. Last evaluated: 2026-03-11. Review status: criteria provided, single submitter. Criteria: Ambry Variant Classification Scheme 2023. Collection method: clinical testing. Allele origin: germline.
Comment: The p.T950A variant (also known as c.2848A>G), located in coding exon 15 of the DSG2 gene, results from an A to G substitution at nucleotide position 2848. The threonine at codon 950 is replaced by alanine, an amino acid with similar properties. This amino acid position is conserved. In addition, this alteration is predicted to be tolerated by in silico analysis. Based on the available evidence, the clinical significance of this variant remains unclear.